The following is an entry in ClinVar:

ClinVar aggregate classification (germline): Uncertain significance (1 of 4 stars; one submission).

Submission:

GeneDx
Classification: Uncertain significance. Last evaluated: 2023-05-23. Review status: criteria provided, single submitter. Criteria: GeneDx Variant Classification Process June 2021. Collection method: clinical testing. Allele origin: germline. Affected: yes.
Comment: Not observed at significant frequency in large population cohorts (gnomAD); In silico analysis supports that this missense variant has a deleterious effect on protein structure/function; Has not been previously published as pathogenic or benign to our knowledge

NM_003413.4(ZIC3):c.1169G>A (p.Cys390Tyr)

Gene: ZIC3 (Zic family member 3; plus strand). Cytogenetic location: Xq26.3.
Variant type: single nucleotide variant.
Coding change: c.1169G>A on transcript NM_003413.4 (MANE Select); coding-DNA position 1169, G replaced by A.
Protein change: p.Cys390Tyr; replaces cysteine 390 with tyrosine.
Molecular consequence: missense variant.
Genome position (GRCh38, 1-based): chrX:137,569,010, G>A. VCF-style: chrX-137569010-G-A. GRCh37 (hg19) VCF-style: chrX-136651169-G-A.
Other names: c.1169G>A, p.Cys390Tyr (NM_001330661.1); short protein forms C390Y.
Identifiers: ClinVar variation 3362149 (VCV003362149.1).